The following is an entry in ClinVar:

ClinVar aggregate classification (germline): Uncertain significance (1 of 4 stars; one submission).

Conditions:
Arrhythmogenic right ventricular cardiomyopathy (ARVD). Also called: Arrhythmogenic right ventricular dysplasia; Cardiomyopathy, ARVC; Arrhythmogenic cardiomyopathy; Arrhythmogenic Right Ventricular Cardiomyopathy (ARVC). Identifiers: Orphanet 247, MedGen C0349788, MeSH D019571, MONDO:0016587. Disease mechanism: loss of function. Inheritance: Various modes of inheritance.

Submission:

All of Us Research Program, National Institutes of Health
Classification: Uncertain significance for Arrhythmogenic right ventricular cardiomyopathy. Last evaluated: 2024-05-14. Review status: criteria provided, single submitter. Criteria: ACMG Guidelines, 2015. Collection method: clinical testing. Allele origin: germline. Inheritance: Autosomal dominant inheritance. Observed: 1 variant allele, 1 heterozygote.
Comment: This missense variant replaces leucine with proline at codon 624 of the DSG2 protein. Computational prediction is inconclusive regarding the impact of this variant on protein structure and function (internally defined REVEL score threshold 0.5 < inconclusive < 0.7, PMID: 27666373). To our knowledge, functional studies have not been reported for this variant. This variant has not been reported in individuals affected with DSG2-related disorders in the literature. This variant has not been identified in the general population by the Genome Aggregation Database (gnomAD). The available evidence is insufficient to determine the role of this variant in disease conclusively. Therefore, this variant is classified as a Variant of Uncertain Significance.

This study involves interpretation of variants in research participants for the purpose of population health screening. Participant phenotype was not available at the time of variant classification. Additional details can be found in publication PMID: 35346344, PMCID: PMC8962531

NM_001943.5(DSG2):c.1871T>C (p.Leu624Pro)

Gene: DSG2 (desmoglein 2; plus strand). Cytogenetic location: 18q12.1.
Variant type: single nucleotide variant.
Coding change: c.1871T>C on transcript NM_001943.5 (MANE Select); coding-DNA position 1871, T replaced by C.
Protein change: p.Leu624Pro; replaces leucine 624 with proline.
Molecular consequence: missense variant.
Genome position (GRCh38, 1-based): chr18:31,538,970, T>C. VCF-style: chr18-31538970-T-C. GRCh37 (hg19) VCF-style: chr18-29118933-T-C.
Other names: short protein forms L624P.
Identifiers: ClinVar variation 3386591 (VCV003386591.1).